The following is an entry in ClinVar:

ClinVar aggregate classification (germline): Uncertain significance (1 of 4 stars; one submission).

Conditions:
Inborn genetic diseases. Identifiers: MedGen C0950123, MeSH D030342.

Submission:

Ambry Genetics
Classification: Uncertain significance for Inborn genetic diseases. Last evaluated: 2025-07-17. Review status: criteria provided, single submitter. Criteria: Ambry Variant Classification Scheme 2023. Collection method: clinical testing. Allele origin: germline.
Comment: The p.H555R variant (also known as c.1664A>G), located in coding exon 8 of the MBD4 gene, results from an A to G substitution at nucleotide position 1664. The histidine at codon 555 is replaced by arginine, an amino acid with highly similar properties. This amino acid position is conserved. In addition, this alteration is predicted to be tolerated by in silico analysis. Based on the available evidence, the clinical significance of this variant remains unclear.

NM_001276270.2(MBD4):c.1664A>G (p.His555Arg)

Gene: MBD4 (methyl-CpG binding domain 4, DNA glycosylase; minus strand). Cytogenetic location: 3q21.3.
Variant type: single nucleotide variant.
Coding change: c.1664A>G on transcript NM_001276270.2 (MANE Select); coding-DNA position 1664, A replaced by G.
Protein change: p.His555Arg; replaces histidine 555 with arginine.
Molecular consequence: missense variant. On other transcripts: 3 prime UTR variant (1).
Genome position (GRCh38, 1-based): chr3:129,431,562, T>C on the plus strand (A>G on the coding strand, the complement: MBD4 is on the minus strand). VCF-style: chr3-129431562-T-C. GRCh37 (hg19) VCF-style: chr3-129150405-T-C.
Other names: c.*6A>G (NM_001276272.2); c.728A>G, p.His243Arg (NM_001276273.2); c.1682A>G, p.His561Arg (NM_003925.3); short protein forms H555R, H561R, H243R.
Identifiers: ClinVar variation 4104614 (VCV004104614.1).